The following is an entry in ClinVar:

NM_001122630.2(CDKN1C):c.208G>A (p.Glu70Lys)

Gene: CDKN1C (cyclin dependent kinase inhibitor 1C; minus strand). Cytogenetic location: 11p15.4.
Variant type: single nucleotide variant.
Coding change: c.208G>A on transcript NM_001122630.2 (MANE Select); coding-DNA position 208, G replaced by A.
Protein change: p.Glu70Lys; replaces glutamic acid 70 with lysine.
Molecular consequence: missense variant.
Genome position (GRCh38, 1-based): chr11:2,885,249, C>T on the plus strand (G>A on the coding strand, the complement: CDKN1C is on the minus strand). VCF-style: chr11-2885249-C-T. GRCh37 (hg19) VCF-style: chr11-2906479-C-T.
Other names: c.241G>A, p.Glu81Lys (NM_000076.2, NM_001362474.2); c.208G>A, p.Glu70Lys (NM_001122631.2, NM_001362475.2); short protein forms E70K, E81K.
Identifiers: ClinVar variation 1383114 (VCV001383114.6), dbSNP rs1038466183, ClinGen allele CA379147271.

ClinVar aggregate classification (germline): Uncertain significance (1 of 4 stars; one submission).

Conditions:
Beckwith-Wiedemann syndrome (BWS). Also called: Exomphalos macroglossia gigantism syndrome; EMG SYNDROME. Identifiers: Orphanet 116, MedGen C0004903, MONDO:0007534, OMIM 130650.

Submission:

Labcorp Genetics (formerly Invitae), Labcorp
Classification: Uncertain significance for Beckwith-Wiedemann syndrome. Last evaluated: 2021-09-25. Review status: criteria provided, single submitter. Criteria: Invitae Variant Classification Sherloc (09022015). Collection method: clinical testing. Allele origin: germline.
Comment: In summary, the available evidence is currently insufficient to determine the role of this variant in disease. Therefore, it has been classified as a Variant of Uncertain Significance. Algorithms developed to predict the effect of missense changes on protein structure and function are either unavailable or do not agree on the potential impact of this missense change (SIFT: "Tolerated"; PolyPhen-2: "Probably Damaging"; Align-GVGD: "Class C0"). This variant has not been reported in the literature in individuals affected with CDKN1C-related conditions. This variant is not present in population databases (ExAC no frequency). This sequence change replaces glutamic acid with lysine at codon 81 of the CDKN1C protein (p.Glu81Lys). The glutamic acid residue is moderately conserved and there is a small physicochemical difference between glutamic acid and lysine.